The following is an entry in ClinVar:

ClinVar aggregate classification (germline): Uncertain significance (1 of 4 stars; one submission).

gnomAD v4.1: 1 of 1,614,160 alleles (0.000062%); highest among the groups gnomAD compares: Non-Finnish European, 0.000085%; no homozygotes.

Submission:

Ambry Genetics
Classification: Uncertain significance. Last evaluated: 2024-11-10. Review status: criteria provided, single submitter. Criteria: Ambry Variant Classification Scheme 2023. Collection method: clinical testing. Allele origin: germline.
Comment: The p.S410P variant (also known as c.1228T>C), located in coding exon 12 of the KIF1B gene, results from a T to C substitution at nucleotide position 1228. The serine at codon 410 is replaced by proline, an amino acid with similar properties. This amino acid position is conserved. In addition, this alteration is predicted to be deleterious by in silico analysis. Based on the available evidence, the clinical significance of this variant remains unclear.

NM_001365951.3(KIF1B):c.1366T>C (p.Ser456Pro)

Gene: KIF1B (kinesin family member 1B; plus strand). Cytogenetic location: 1p36.22.
Variant type: single nucleotide variant.
Coding change: c.1366T>C on transcript NM_001365951.3 (MANE Select); coding-DNA position 1366, T replaced by C.
Protein change: p.Ser456Pro; replaces serine 456 with proline.
Molecular consequence: missense variant.
Genome position (GRCh38, 1-based): chr1:10,282,465, T>C. VCF-style: chr1-10282465-T-C. GRCh37 (hg19) VCF-style: chr1-10342523-T-C.
Other names: c.1366T>C, p.Ser456Pro (NM_001365952.1); c.1228T>C, p.Ser410Pro (NM_001365953.1, NM_015074.3, NM_183416.4); short protein forms S410P, S456P.
Identifiers: ClinVar variation 3533890 (VCV003533890.1).
Genomic context (GRCh38, chr1:10,282,465, plus strand): 5'-ATGGGGTCCCTCACTTCATCCCCATCTTCCTGCTCACTCAGTAGTCAGGTGGGCTTGACG[T>C]CTGTGACCAGTATTCAAGAGAGGATCATGTCTACACCTGGAGGAGAGGAAGCTATTGAAC-3'
Protein context (NP_001352880.1, residues 446-466): CSLSSQVGLT[Ser456Pro]VTSIQERIMS